The following is an entry in ClinVar:

ClinVar aggregate classification (germline): Pathogenic/Likely pathogenic. Review status: criteria provided, multiple submitters, no conflicts (2 of 4 stars). 3 submissions from 3 submitters: Pathogenic (1); Likely pathogenic (2). Last evaluated 2025-02-04.

Conditions:
Cardiovascular phenotype. Identifiers: MedGen CN230736.
Charcot-Marie-Tooth disease type 2. Also called: Charcot-Marie-Tooth type 2. Identifiers: Orphanet 64746, MedGen C0270914, MONDO:0018993.

Submissions (3):

Revvity Omics, Revvity
Classification: Pathogenic. Last evaluated: 2025-02-04. Review status: criteria provided, single submitter. Criteria: ACMG Guidelines, 2015. Collection method: clinical testing. Allele origin: germline.

Ambry Genetics
Classification: Likely pathogenic for Cardiovascular phenotype. Last evaluated: 2023-10-10. Review status: criteria provided, single submitter. Criteria: Ambry Variant Classification Scheme 2023. Collection method: clinical testing. Allele origin: germline.
Comment: The c.811-1G>A intronic variant results from a G to A substitution one nucleotide upstream from coding exon 5 of the LMNA gene. This variant is considered to be rare based on population cohorts in the Genome Aggregation Database (gnomAD). This nucleotide position is highly conserved in available vertebrate species. In silico splice site analysis predicts that this alteration will weaken the native splice acceptor site and will result in the creation or strengthening of a novel splice acceptor site. Alterations that disrupt the canonical splice site are expected to cause aberrant splicing, resulting in an abnormal protein or a transcript that is subject to nonsense-mediated mRNA decay. As such, this alteration is classified as likely pathogenic.

Labcorp Genetics (formerly Invitae), Labcorp
Classification: Likely pathogenic for Charcot-Marie-Tooth disease type 2. Last evaluated: 2018-10-04. Review status: criteria provided, single submitter. Criteria: Invitae Variant Classification Sherloc (09022015). Collection method: clinical testing. Allele origin: germline.
Comment: This sequence change affects an acceptor splice site in intron 4 of the LMNA gene. It is expected to disrupt RNA splicing and likely results in an absent or disrupted protein product. This variant is not present in population databases (ExAC no frequency). This variant has not been reported in the literature in individuals with LMNA-related disease. Algorithms developed to predict the effect of sequence changes on RNA splicing suggest that this variant may disrupt the consensus splice site, but this prediction has not been confirmed by published transcriptional studies. Donor and acceptor splice site variants typically lead to a loss of protein function (PMID: 16199547), and loss-of-function variants in LMNA are known to be pathogenic (PMID: 18585512, 18926329). In summary, the currently available evidence indicates that the variant is pathogenic, but additional data are needed to prove that conclusively. Therefore, this variant has been classified as Likely Pathogenic.

Literature cited by the submitters: PubMed 16199547 (cited by Labcorp Genetics (formerly Invitae), Labcorp); PubMed 18585512 (cited by Labcorp Genetics (formerly Invitae), Labcorp); PubMed 18926329 (cited by Labcorp Genetics (formerly Invitae), Labcorp).

NM_170707.4(LMNA):c.811-1G>A

Gene: LMNA (lamin A/C; plus strand). Cytogenetic location: 1q22.
Variant type: single nucleotide variant.
Coding change: c.811-1G>A on transcript NM_170707.4 (MANE Select); the canonical splice acceptor site of the intron before coding-DNA position 811, G replaced by A.
Molecular consequence: splice acceptor variant.
Genome position (GRCh38, 1-based): chr1:156,135,186, G>A. VCF-style: chr1-156135186-G-A. GRCh37 (hg19) VCF-style: chr1-156104977-G-A.
Other names: c.811-1G>A (NM_170707.2, NM_001406983.1, NM_001282625.2 and 7 more transcripts); c.253-1G>A (NM_001406996.1, NM_001406997.1, NM_001407002.1 and 4 more transcripts); c.568-1G>A (NM_001406987.1, NM_001282624.2, NM_001406986.1); c.475-1G>A (NM_001406989.1, NM_001257374.3, NM_001406998.1); c.514-1G>A (NM_001406988.1); c.147-1G>A (NM_001406999.1, NM_001407000.1, NM_001406994.1 and 1 more transcripts).
Identifiers: ClinVar variation 646662 (VCV000646662.9), dbSNP rs1365042239, ClinGen allele CA342817464.
Genomic context (GRCh38, chr1:156,135,186, plus strand): 5'-CAGGCCTGTGCCTCCACCCCTCCCAGTCACCACAGTCCTAACCCTTTGTCCTCCCCTCCA[G>A]CTGGACAATGCCAGGCAGTCTGCTGAGAGGAACAGCAACCTGGTGGGGGCTGCCCACGAG-3'